The following is an entry in ClinVar:

ClinVar aggregate classification (germline): Uncertain significance. Review status: criteria provided, multiple submitters, no conflicts (2 of 4 stars). 2 submissions from 2 submitters: Uncertain significance (2). Last evaluated 2025-04-02.

Conditions:
Inborn genetic diseases. Identifiers: MedGen C0950123, MeSH D030342.

Allele frequency attached by ClinVar (database versions not stated): gnomAD 0.00001; gnomAD exomes 0.00001; TOPMed 0.00002.
gnomAD v4.1: 12 of 1,510,698 alleles (0.00079%); highest among the groups gnomAD compares: Non-Finnish European, 0.0011%; no homozygotes.

Submissions (2):

Ambry Genetics
Classification: Uncertain significance for Inborn genetic diseases. Last evaluated: 2025-04-02. Review status: criteria provided, single submitter. Criteria: Ambry Variant Classification Scheme 2023. Collection method: clinical testing. Allele origin: germline.

Labcorp Genetics (formerly Invitae), Labcorp
Classification: Uncertain significance. Last evaluated: 2022-06-25. Review status: criteria provided, single submitter. Criteria: Invitae Variant Classification Sherloc (09022015). Collection method: clinical testing. Allele origin: germline.
Comment: This sequence change replaces asparagine, which is neutral and polar, with serine, which is neutral and polar, at codon 441 of the RXYLT1 protein (p.Asn441Ser). This variant is present in population databases (no rsID available, gnomAD 0.001%). This variant has not been reported in the literature in individuals affected with RXYLT1-related conditions. ClinVar contains an entry for this variant (Variation ID: 1022295). Algorithms developed to predict the effect of missense changes on protein structure and function output the following: SIFT: "Tolerated"; PolyPhen-2: "Benign"; Align-GVGD: "Class C0". The serine amino acid residue is found in multiple mammalian species, which suggests that this missense change does not adversely affect protein function. Algorithms developed to predict the effect of sequence changes on RNA splicing suggest that this variant may create or strengthen a splice site. In summary, the available evidence is currently insufficient to determine the role of this variant in disease. Therefore, it has been classified as a Variant of Uncertain Significance.

NM_014254.3(RXYLT1):c.1322A>G (p.Asn441Ser)

Genes: RXYLT1-AS1 (RXYLT1 antisense RNA 1; minus strand), RXYLT1 (ribitol xylosyltransferase 1; plus strand). Cytogenetic location: 12q14.2.
Variant type: single nucleotide variant.
Coding change: c.1322A>G on transcript NM_014254.3 (MANE Select); coding-DNA position 1322, A replaced by G.
Protein change: p.Asn441Ser; replaces asparagine 441 with serine.
Molecular consequence: missense variant.
Genome position (GRCh38, 1-based): chr12:63,809,082, A>G. VCF-style: chr12-63809082-A-G. GRCh37 (hg19) VCF-style: chr12-64202862-A-G.
Other names: c.542A>G, p.Asn181Ser (NM_001278237.2); c.1322A>G (NM_014254.1); short protein forms N181S, N441S.
Identifiers: ClinVar variation 1022295 (VCV001022295.5), dbSNP rs1340087199, ClinGen allele CA385660690.